The following is an entry in ClinVar:

ClinVar aggregate classification (germline): Uncertain significance (1 of 4 stars; one submission).

Submission:

GeneDx
Classification: Uncertain significance. Last evaluated: 2025-04-09. Review status: criteria provided, single submitter. Criteria: GeneDx Variant Classification Process June 2021. Collection method: clinical testing. Allele origin: germline. Affected: yes.
Comment: Not observed at significant frequency in large population cohorts (gnomAD); In silico analysis supports that this missense variant has a deleterious effect on protein structure/function; Has not been previously published as pathogenic or benign to our knowledge

NM_000719.7(CACNA1C):c.2509T>C (p.Tyr837His)

Gene: CACNA1C (calcium voltage-gated channel subunit alpha1 C; plus strand). Cytogenetic location: 12p13.33.
Variant type: single nucleotide variant.
Coding change: c.2509T>C on transcript NM_000719.7 (MANE Select); coding-DNA position 2509, T replaced by C.
Protein change: p.Tyr837His; replaces tyrosine 837 with histidine.
Molecular consequence: missense variant.
Genome position (GRCh38, 1-based): chr12:2,585,883, T>C. VCF-style: chr12-2585883-T-C. GRCh37 (hg19) VCF-style: chr12-2695049-T-C.
Other names: c.2509T>C, p.Tyr837His (NM_001129827.2, NM_001129829.2, NM_001129830.3 and 18 more transcripts); c.2500T>C, p.Tyr834His (NM_001129844.2); short protein forms Y834H, Y837H.
Identifiers: ClinVar variation 4282013 (VCV004282013.1).